The following is an entry in ClinVar:

NM_000091.5(COL4A3):c.1527G>C (p.Leu509Phe)

Genes: COL4A3 (collagen type IV alpha 3 chain; plus strand), MFF-DT (MFF divergent transcript; minus strand). Cytogenetic location: 2q36.3.
Variant type: single nucleotide variant.
Coding change: c.1527G>C on transcript NM_000091.5 (MANE Select); coding-DNA position 1527, G replaced by C.
Protein change: p.Leu509Phe; replaces leucine 509 with phenylalanine.
Molecular consequence: missense variant.
Genome position (GRCh38, 1-based): chr2:227,269,932, G>C. VCF-style: chr2-227269932-G-C. GRCh37 (hg19) VCF-style: chr2-228134648-G-C.
Other names: short protein forms L509F.
Identifiers: ClinVar variation 1311035 (VCV001311035.3), dbSNP rs2125989308, ClinGen allele CA350871187.

ClinVar aggregate classification (germline): Uncertain significance. Review status: criteria provided, multiple submitters, no conflicts (2 of 4 stars). 2 submissions from 2 submitters: Uncertain significance (2). Last evaluated 2025-08-21.

Conditions:
Inborn genetic diseases. Identifiers: MedGen C0950123, MeSH D030342.

Allele frequency attached by ClinVar (database versions not stated): gnomAD exomes below 0.00001.
gnomAD v4.1: 2 of 1,613,912 alleles (0.00012%); highest among the groups gnomAD compares: East Asian, 0.0045%; no homozygotes.

Submissions (2):

Ambry Genetics
Classification: Uncertain significance for Inborn genetic diseases. Last evaluated: 2025-08-21. Review status: criteria provided, single submitter. Criteria: Ambry Variant Classification Scheme 2023. Collection method: clinical testing. Allele origin: germline.

GeneDx
Classification: Uncertain significance. Last evaluated: 2019-09-06. Review status: criteria provided, single submitter. Criteria: GeneDx Variant Classification Process June 2021. Collection method: clinical testing. Allele origin: germline. Affected: yes.
Comment: Not observed in large population cohorts (Lek et al., 2016); Occurs in the triple helical domain at the X position in the canonical Gly-X-Y repeat. Although this variant may have an effect on normal protein folding and function, missense substitution at the X position is not a common mechanism of disease; In silico analysis, which includes protein predictors and evolutionary conservation, supports that this variant does not alter protein structure/function; Has not been previously published as pathogenic or benign to our knowledge